The following is an entry in ClinVar:

NM_018089.3(ANKZF1):c.923G>A (p.Gly308Glu)

Gene: ANKZF1 (ankyrin repeat and zinc finger peptidyl tRNA hydrolase 1; plus strand). Cytogenetic location: 2q35.
Variant type: single nucleotide variant.
Coding change: c.923G>A on transcript NM_018089.3 (MANE Select); coding-DNA position 923, G replaced by A.
Protein change: p.Gly308Glu; replaces glycine 308 with glutamic acid.
Molecular consequence: missense variant.
Genome position (GRCh38, 1-based): chr2:219,233,818, G>A. VCF-style: chr2-219233818-G-A. GRCh37 (hg19) VCF-style: chr2-220098540-G-A.
Other names: c.923G>A, p.Gly308Glu (NM_001042410.2); c.293G>A, p.Gly98Glu (NM_001282792.2); short protein forms G308E, G98E.
Identifiers: ClinVar variation 1922613 (VCV001922613.5), dbSNP rs1411504743, ClinGen allele CA350677534.

ClinVar aggregate classification (germline): Uncertain significance (1 of 4 stars; one submission).

Allele frequency attached by ClinVar (database versions not stated): gnomAD exomes below 0.00001.
gnomAD v4.1: 3 of 1,614,092 alleles (0.00019%); highest among the groups gnomAD compares: Non-Finnish European, 0.00025%; no homozygotes.

Submission:

Labcorp Genetics (formerly Invitae), Labcorp
Classification: Uncertain significance. Last evaluated: 2025-04-08. Review status: criteria provided, single submitter. Criteria: Invitae Variant Classification Sherloc (09022015). Collection method: clinical testing. Allele origin: germline.
Comment: This sequence change replaces glycine, which is neutral and non-polar, with glutamic acid, which is acidic and polar, at codon 308 of the ANKZF1 protein (p.Gly308Glu). This variant is present in population databases (no rsID available, gnomAD 0.0009%). This variant has not been reported in the literature in individuals affected with ANKZF1-related conditions. ClinVar contains an entry for this variant (Variation ID: 1922613). An algorithm developed to predict the effect of missense changes on protein structure and function (PolyPhen-2) suggests that this variant is likely to be disruptive. In summary, the available evidence is currently insufficient to determine the role of this variant in disease. Therefore, it has been classified as a Variant of Uncertain Significance.